The following is an entry in ClinVar:

NM_001290060.2(SEMA3B):c.1865C>A (p.Thr622Asn)

Gene: SEMA3B (semaphorin 3B; plus strand). Cytogenetic location: 3p21.31.
Variant type: single nucleotide variant.
Coding change: c.1865C>A on transcript NM_001290060.2 (MANE Select); coding-DNA position 1865, C replaced by A.
Protein change: p.Thr622Asn; replaces threonine 622 with asparagine.
Molecular consequence: missense variant. On other transcripts: non-coding transcript variant (1).
Genome position (GRCh38, 1-based): chr3:50,276,321, C>A. VCF-style: chr3-50276321-C-A. GRCh37 (hg19) VCF-style: chr3-50313752-C-A.
Other names: c.1862C>A, p.Thr621Asn (NM_001005914.3); c.1880C>A, p.Thr627Asn (NM_001290061.1); c.836C>A, p.Thr279Asn (NM_001290062.2, NM_001290063.2); c.1865C>A, p.Thr622Asn (NM_004636.4); short protein forms T621N, T627N, T279N, T622N.
Identifiers: ClinVar variation 2323846 (VCV002323846.3), dbSNP rs1701244435, ClinGen allele CA352920390.

ClinVar aggregate classification (germline): Conflicting classifications of pathogenicity. Review status: criteria provided, conflicting classifications (1 of 4 stars). 2 submissions from 2 submitters: Uncertain significance (1); Likely benign (1). Last evaluated 2026-06-27.

Conditions:
SEMA3B-related disorder. Also called: SEMA3B-related condition.

Allele frequency attached by ClinVar (database versions not stated): TOPMed below 0.00001.

Submissions (2):

PreventionGenetics, part of Exact Sciences
Classification: Likely benign for SEMA3B-related condition. Last evaluated: 2026-06-27. Review status: criteria provided, single submitter. Criteria: ACMG Guidelines, 2015. Collection method: clinical testing. Allele origin: germline.
Comment: This variant is classified as likely benign based on ACMG/AMP sequence variant interpretation guidelines (Richards et al. 2015 PMID: 25741868, with internal and published modifications).

Ambry Genetics
Classification: Uncertain significance. Last evaluated: 2022-11-08. Review status: criteria provided, single submitter. Criteria: Ambry Variant Classification Scheme 2023. Collection method: clinical testing. Allele origin: germline.